The following is an entry in ClinVar:

ClinVar aggregate classification (germline): Uncertain significance (1 of 4 stars; one submission).

Conditions:
Saldino-Mainzer syndrome (SRTD9). Also called: Renal dysplasia, retinal pigmentary dystrophy, cerebellar ataxia and skeletal dysplasia; CONORENAL SYNDROME; SHORT-RIB THORACIC DYSPLASIA 9 WITHOUT POLYDACTYLY; short-rib thoracic dysplasia 9 with or without polydactyly. Identifiers: Orphanet 140969, MedGen C1849437, MONDO:0009964, OMIM 266920.

Allele frequency attached by ClinVar (database versions not stated): gnomAD exomes below 0.00001; TOPMed below 0.00001; ExAC 0.00001; gnomAD 0.00001.

Submission:

Labcorp Genetics (formerly Invitae), Labcorp
Classification: Uncertain significance for Saldino-Mainzer syndrome. Last evaluated: 2025-01-27. Review status: criteria provided, single submitter. Criteria: Invitae Variant Classification Sherloc (09022015). Collection method: clinical testing. Allele origin: germline.
Comment: This sequence change replaces aspartic acid, which is acidic and polar, with asparagine, which is neutral and polar, at codon 177 of the IFT140 protein (p.Asp177Asn). This variant is present in population databases (rs774439512, gnomAD 0.0009%). This variant has not been reported in the literature in individuals affected with IFT140-related conditions. ClinVar contains an entry for this variant (Variation ID: 1439527). Invitae Evidence Modeling of protein sequence and biophysical properties (such as structural, functional, and spatial information, amino acid conservation, physicochemical variation, residue mobility, and thermodynamic stability) has been performed for this missense variant. However, the output from this modeling did not meet the statistical confidence thresholds required to predict the impact of this variant on IFT140 protein function. In summary, the available evidence is currently insufficient to determine the role of this variant in disease. Therefore, it has been classified as a Variant of Uncertain Significance.

NM_014714.4(IFT140):c.529G>A (p.Asp177Asn)

Genes: IFT140 (intraflagellar transport 140; minus strand), LOC105371046 (uncharacterized LOC105371046; plus strand). Cytogenetic location: 16p13.3.
Variant type: single nucleotide variant.
Coding change: c.529G>A on transcript NM_014714.4 (MANE Select); coding-DNA position 529, G replaced by A.
Protein change: p.Asp177Asn; replaces aspartic acid 177 with asparagine.
Molecular consequence: missense variant.
Genome position (GRCh38, 1-based): chr16:1,592,281, C>T on the plus strand (G>A on the coding strand, the complement: IFT140 is on the minus strand). VCF-style: chr16-1592281-C-T. GRCh37 (hg19) VCF-style: chr16-1642282-C-T.
Other names: short protein forms D177N.
Identifiers: ClinVar variation 1439527 (VCV001439527.7), dbSNP rs774439512, ClinGen allele CA7814663.